The following is an entry in ClinVar:

NM_000257.4(MYH7):c.1205C>A (p.Pro402His)

Gene: MYH7 (myosin heavy chain 7; minus strand). Cytogenetic location: 14q11.2.
Variant type: single nucleotide variant.
Coding change: c.1205C>A on transcript NM_000257.4 (MANE Select); coding-DNA position 1205, C replaced by A.
Protein change: p.Pro402His; replaces proline 402 with histidine.
Molecular consequence: missense variant.
Genome position (GRCh38, 1-based): chr14:23,429,281, G>T on the plus strand (C>A on the coding strand, the complement: MYH7 is on the minus strand). VCF-style: chr14-23429281-G-T. GRCh37 (hg19) VCF-style: chr14-23898490-G-T.
Other names: short protein forms P402H.
Identifiers: ClinVar variation 525009 (VCV000525009.8), dbSNP rs1555338370, ClinGen allele CA389051125.

ClinVar aggregate classification (germline): Uncertain significance (1 of 4 stars; one submission).

Conditions:
Hypertrophic cardiomyopathy. Also called: HYPERTROPHIC MYOCARDIOPATHY. Identifiers: Orphanet 217569, MedGen C0007194, MeSH D002312, MONDO:0005045, HP:0001639.

Submission:

Labcorp Genetics (formerly Invitae), Labcorp
Classification: Uncertain significance for Hypertrophic cardiomyopathy. Last evaluated: 2022-07-25. Review status: criteria provided, single submitter. Criteria: Invitae Variant Classification Sherloc (09022015). Collection method: clinical testing. Allele origin: germline.
Comment: In summary, the available evidence is currently insufficient to determine the role of this variant in disease. Therefore, it has been classified as a Variant of Uncertain Significance. This variant is found within a region of MYH7 between codons 181 and 937 that contains the majority of the myosin head domain. Missense variants in this region have been shown to be significantly overrepresented in individuals with hypertrophic cardiomyopathy (PMID: 27532257). An algorithm developed specifically for the MYH7 gene suggests that this missense change is likely to be deleterious (PMID: 21310275). ClinVar contains an entry for this variant (Variation ID: 525009). This missense change has been observed in individual(s) with clinical features of MYH7-related conditions (Invitae). This variant is not present in population databases (gnomAD no frequency). This sequence change replaces proline, which is neutral and non-polar, with histidine, which is basic and polar, at codon 402 of the MYH7 protein (p.Pro402His).

Literature cited by the submitters: PubMed 27532257; PubMed 21310275.